The following is an entry in ClinVar:

NM_007294.4(BRCA1):c.4952C>T (p.Ser1651Phe)

Gene: BRCA1 (BRCA1 DNA repair associated; minus strand). Cytogenetic location: 17q21.31.
Variant type: single nucleotide variant.
Coding change: c.4952C>T on transcript NM_007294.4 (MANE Select); coding-DNA position 4952, C replaced by T.
Protein change: p.Ser1651Phe; replaces serine 1651 with phenylalanine.
Molecular consequence: missense variant. On other transcripts: non-coding transcript variant (1).
Genome position (GRCh38, 1-based): chr17:43,070,962, G>A on the plus strand (C>T on the coding strand, the complement: BRCA1 is on the minus strand). VCF-style: chr17-43070962-G-A. GRCh37 (hg19) VCF-style: chr17-41222979-G-A.
Other names: c.4949C>T, p.Ser1650Phe (NM_001407620.1, NM_001407621.1, NM_001407622.1 and 17 more transcripts); c.4946C>T, p.Ser1649Phe (NM_001407627.1, NM_001407628.1, NM_001407629.1 and 14 more transcripts); c.4868C>T, p.Ser1623Phe (NM_001407661.1, NM_001407662.1, NM_001407663.1 and 2 more transcripts); c.4829C>T, p.Ser1610Phe (NM_001407664.1, NM_001407665.1, NM_001407666.1 and 6 more transcripts); c.4826C>T, p.Ser1609Phe (NM_001407670.1, NM_001407680.1, NM_001407939.1 and 11 more transcripts); c.4823C>T, p.Ser1608Phe (NM_001407681.1, NM_001407682.1, NM_001407683.1 and 6 more transcripts); c.4952C>T, p.Ser1651Phe (NM_001407684.1, NM_001407854.1, NM_001407652.1 and 8 more transcripts); c.4811C>T, p.Ser1604Phe (NM_001407725.1, NM_001407726.1, NM_001407727.1 and 13 more transcripts); and 70 more; short protein forms S1651F, S1604F, S1672F, S547F, S1355F, S1538F, S1561F, S1563F.
Identifiers: ClinVar variation 55330 (VCV000055330.13), dbSNP rs80356938, ClinGen allele CA003100.

ClinVar aggregate classification (germline): Uncertain significance. Review status: criteria provided, multiple submitters, no conflicts (2 of 4 stars). 4 submissions from 4 submitters: Uncertain significance (3). 1 of the submissions does not count toward it. Last evaluated 2024-03-14.

Conditions:
Hereditary cancer-predisposing syndrome. Also called: Hereditary Cancer Syndrome; Hereditary neoplastic syndrome; Neoplastic Syndromes, Hereditary; Tumor predisposition. Identifiers: Orphanet 140162, MedGen C0027672, MeSH D009386, MONDO:0015356.
Breast-ovarian cancer, familial, susceptibility to, 1 (BROVCA1). Also called: BRCA1 Hereditary Breast and Ovarian Cancer; OVARIAN CANCER, SUSCEPTIBILITY TO. Identifiers: Orphanet 145, MedGen C2676676, MONDO:0011450, OMIM 604370. Disease mechanism: loss of function.
Hereditary breast ovarian cancer syndrome. Also called: BRCA1- and BRCA2-Associated Hereditary Breast and Ovarian Cancer; Hereditary breast and ovarian cancer syndrome; Hereditary breast and ovarian cancer syndrome (HBOC); Breast and ovarian cancer; Hereditary breast and/or ovarian cancer syndrome; Hereditary breast and ovarian cancer. Identifiers: Orphanet 145, MedGen C0677776, MeSH D061325, MONDO:0003582. Disease mechanism: loss of function.

Allele frequency attached by ClinVar (database versions not stated): gnomAD exomes 0.00001.
gnomAD v4.1: 10 of 1,614,186 alleles (0.00062%); highest among the groups gnomAD compares: Non-Finnish European, 0.00085%; no homozygotes.

Submissions (5):

Ambry Genetics
Classification: Uncertain significance for Hereditary cancer-predisposing syndrome. Last evaluated: 2024-03-14. Review status: criteria provided, single submitter. Criteria: Ambry Variant Classification Scheme 2023. Collection method: clinical testing. Allele origin: germline.
Comment: The p.S1651F variant (also known as c.4952C>T), located in coding exon 14 of the BRCA1 gene, results from a C to T substitution at nucleotide position 4952. The serine at codon 1651 is replaced by phenylalanine, an amino acid with highly dissimilar properties. One functional study found that this nucleotide substitution is functional in a high throughput genome editing haploid cell survival assay (Findlay GM et al. Nature, 2018 Oct;562:217-222). This amino acid position is highly conserved in available vertebrate species. In addition, this alteration is predicted to be deleterious by in silico analysis. Based on the available evidence, the clinical significance of this alteration remains unclear.

Labcorp Genetics (formerly Invitae), Labcorp
Classification: Uncertain significance for Hereditary breast ovarian cancer syndrome. Last evaluated: 2021-09-16. Review status: criteria provided, single submitter. Criteria: Invitae Variant Classification Sherloc (09022015). Collection method: clinical testing. Allele origin: germline.
Comment: In summary, the available evidence is currently insufficient to determine the role of this variant in disease. Therefore, it has been classified as a Variant of Uncertain Significance. Experimental studies have shown that this missense change does not substantially affect BRCA1 function (PMID: 20516115, 23867111, 30209399). Advanced modeling of experimental studies (such as gene expression, population dynamics, functional pathways, and cell-cycle effects in cell culture) performed at Invitae indicates that this missense variant is not expected to disrupt BRCA1 protein function. ClinVar contains an entry for this variant (Variation ID: 55330). This variant has not been reported in the literature in individuals affected with BRCA1-related conditions. This variant is not present in population databases (ExAC no frequency). This sequence change replaces serine with phenylalanine at codon 1651 of the BRCA1 protein (p.Ser1651Phe). The serine residue is highly conserved and there is a large physicochemical difference between serine and phenylalanine.

Color Diagnostics, LLC DBA Color Health
Classification: Uncertain significance for Hereditary cancer-predisposing syndrome. Last evaluated: 2019-03-15. Review status: criteria provided, single submitter. Criteria: ACMG Guidelines, 2015. Collection method: clinical testing. Allele origin: germline.

Breast Cancer Information Core (BIC) (BRCA1)
Classification: Uncertain significance for Breast-ovarian cancer, familial 1. Last evaluated: 2004-11-25. Review status: no assertion criteria provided. Collection method: clinical testing. Allele origin: germline. Affected: yes. Observed: 1 variant allele. Not counted in ClinVar's aggregate classification.

Brotman Baty Institute, University of Washington
No classification provided (evidence only). Condition: Breast-ovarian cancer, familial 1. Review status: no classification provided. Collection method: in vitro. Allele origin: not applicable. Functional consequence: functionally_normal. Not counted in ClinVar's aggregate classification.
ClinVar note: "not provided" was previously submitted as the classification for the variant. However, the classification appeared to be based only on an observation of functional data so it was converted to no classification on 2025-07-30.

Literature cited by the submitters: PubMed 30209399 (cited by Ambry Genetics and Labcorp Genetics (formerly Invitae), Labcorp); PubMed 20516115 (cited by Labcorp Genetics (formerly Invitae), Labcorp); PubMed 23867111 (cited by Labcorp Genetics (formerly Invitae), Labcorp).